The following is an entry in ClinVar:

ClinVar aggregate classification (germline): Uncertain significance (1 of 4 stars; one submission).

Conditions:
Deficiency of ferroxidase (ACEP). Also called: NEURODEGENERATION WITH BRAIN IRON ACCUMULATION 10; Deficiency of ceruloplasmin; Aceruloplasminemia; Ceruloplasmin deficiency; Familial apoceruloplasmin deficiency; Hereditary ceruloplasmin deficiency. Identifiers: Orphanet 48818, MedGen C0878682, MONDO:0011426, OMIM 604290, HP:0025498.

gnomAD v4.1: 1 of 1,613,238 alleles (0.000062%); highest among the groups gnomAD compares: South Asian, 0.0011%; no homozygotes.

Submission:

Labcorp Genetics (formerly Invitae), Labcorp
Classification: Uncertain significance for Deficiency of ferroxidase. Last evaluated: 2025-05-26. Review status: criteria provided, single submitter. Criteria: Invitae Variant Classification Sherloc (09022015). Collection method: clinical testing. Allele origin: germline.
Comment: This sequence change replaces proline, which is neutral and non-polar, with arginine, which is basic and polar, at codon 942 of the CP protein (p.Pro942Arg). This variant is present in population databases (no rsID available, gnomAD 0.003%). This variant has not been reported in the literature in individuals affected with CP-related conditions. Invitae Evidence Modeling of protein sequence and biophysical properties (such as structural, functional, and spatial information, amino acid conservation, physicochemical variation, residue mobility, and thermodynamic stability) indicates that this missense variant is not expected to disrupt CP protein function with a negative predictive value of 80%. In summary, the available evidence is currently insufficient to determine the role of this variant in disease. Therefore, it has been classified as a Variant of Uncertain Significance.

NM_000096.4(CP):c.2825C>G (p.Pro942Arg)

Gene: CP (ceruloplasmin; minus strand). Cytogenetic location: 3q24.
Variant type: single nucleotide variant.
Coding change: c.2825C>G on transcript NM_000096.4 (MANE Select); coding-DNA position 2825, C replaced by G.
Protein change: p.Pro942Arg; replaces proline 942 with arginine.
Molecular consequence: missense variant. On other transcripts: non-coding transcript variant (1).
Genome position (GRCh38, 1-based): chr3:149,178,468, G>C on the plus strand (C>G on the coding strand, the complement: CP is on the minus strand). VCF-style: chr3-149178468-G-C. GRCh37 (hg19) VCF-style: chr3-148896255-G-C.
Other names: short protein forms P942R.
Identifiers: ClinVar variation 4742475 (VCV004742475.1).
Genomic context (GRCh38, chr3:149,178,468, plus strand): 5'-GACATACCATGCATTTTATTGCTTTCTATGAATTCCTCATCATCTTTGTTTACTTTCTCG[G>C]GGTGATCAGAGTATGTTTTGATGTTGTCATCTAAGTACCAAGATTCATTCTCATCAAAAA-3'
Protein context (NP_000087.2, residues 932-952): DDNIKTYSDH[Pro942Arg]EKVNKDDEEF